The following is an entry in ClinVar:

NM_000548.5(TSC2):c.4849+1del

Gene: TSC2 (TSC complex subunit 2; plus strand). Cytogenetic location: 16p13.3.
Variant type: Deletion.
Coding change: c.4849+1del on transcript NM_000548.5 (MANE Select); the canonical splice donor site of the intron after coding-DNA position 4849, one base deleted (G; older notation c.4849+1delG).
Molecular consequence: splice donor variant.
Genome position (GRCh38, 1-based): chr16:2,086,380, G deleted; the last of 2 consecutive G bases (chr16:2,086,379-2,086,380); deleting either gives the same sequence. VCF-style (leftmost placement, unchanged base first): chr16-2086378-AG-A. GRCh37 (hg19) VCF-style: chr16-2136379-AG-A.
Other names: c.3307+1del (NM_001406693.1, NM_001406692.1, NM_001406694.1); c.4741+1del (NM_001406667.1); c.4738+1del (NM_001406668.1); c.4249+1del (NM_001406680.1); c.4180+1del (NM_001406683.1, NM_001406682.1); c.4048+1del (NM_001406687.1, NM_001406688.1); c.3436+1del (NM_001406689.1); c.3376+1del (NM_001406690.1); and 26 more.
Identifiers: ClinVar variation 3383132 (VCV003383132.2).

ClinVar aggregate classification (germline): Likely pathogenic (1 of 4 stars; one submission).

Conditions:
Tuberous sclerosis 2 (TSC2). Identifiers: Orphanet 805, MedGen C1860707, MONDO:0013199, OMIM 613254.

Submission:

Juno Genomics, Hangzhou Juno Genomics, Inc
Classification: Likely pathogenic for Tuberous sclerosis 2. Review status: criteria provided, single submitter. Criteria: ACMG Guidelines, 2015. Collection method: clinical testing. Allele origin: germline. Affected: yes.
Comment: Null variant in a gene where loss of function (LOF) is a known mechanism of disease.;Absent from controls (or at extremely low frequency if recessive) in Genome Aggregation Database, Exome Sequencing Project, 1000 Genomes Project, or Exome Aggregation Consortium.